The following is an entry in ClinVar:

ClinVar aggregate classification (germline): Uncertain significance. Review status: criteria provided, multiple submitters, no conflicts (2 of 4 stars). 2 submissions from 2 submitters: Uncertain significance (2). Last evaluated 2025-05-20.

Conditions:
Hereditary cancer-predisposing syndrome. Also called: Neoplastic Syndromes, Hereditary; Tumor predisposition; Hereditary Cancer Syndrome; Hereditary neoplastic syndrome. Identifiers: Orphanet 140162, MedGen C0027672, MeSH D009386, MONDO:0015356.

Submissions (2):

Quest Diagnostics Nichols Institute San Juan Capistrano
Classification: Uncertain significance. Last evaluated: 2025-05-20. Review status: criteria provided, single submitter. Criteria: Quest Diagnostics criteria. Collection method: clinical testing. Allele origin: unknown.

Ambry Genetics
Classification: Uncertain significance for Hereditary cancer-predisposing syndrome. Last evaluated: 2022-05-01. Review status: criteria provided, single submitter. Criteria: Ambry Variant Classification Scheme 2023. Collection method: clinical testing. Allele origin: germline.
Comment: The p.C738S variant (also known as c.2213G>C), located in coding exon 19 of the TSC2 gene, results from a G to C substitution at nucleotide position 2213. The cysteine at codon 738 is replaced by serine, an amino acid with dissimilar properties. This amino acid position is conserved. In addition, the in silico prediction for this alteration is inconclusive. Since supporting evidence is limited at this time, the clinical significance of this alteration remains unclear.

NM_000548.5(TSC2):c.2213G>C (p.Cys738Ser)

Gene: TSC2 (TSC complex subunit 2; plus strand). Cytogenetic location: 16p13.3.
Variant type: single nucleotide variant.
Coding change: c.2213G>C on transcript NM_000548.5 (MANE Select); coding-DNA position 2213, G replaced by C.
Protein change: p.Cys738Ser; replaces cysteine 738 with serine.
Molecular consequence: missense variant.
Genome position (GRCh38, 1-based): chr16:2,072,356, G>C. VCF-style: chr16-2072356-G-C. GRCh37 (hg19) VCF-style: chr16-2122357-G-C.
Other names: c.2213G>C, p.Cys738Ser (NM_001077183.3, NM_001114382.3, NM_001363528.2 and 6 more transcripts); c.2102G>C, p.Cys701Ser (NM_001318827.2, NM_001406670.1, NM_001406678.1); c.2066G>C, p.Cys689Ser (NM_001318829.2, NM_001406675.1, NM_001406676.1 and 1 more transcripts); c.1613G>C, p.Cys538Ser (NM_001318831.2, NM_001406680.1, NM_001406682.1 and 6 more transcripts); c.2246G>C, p.Cys749Ser (NM_001318832.2); c.2303G>C, p.Cys768Ser (NM_001406667.1, NM_001406668.1); c.2201G>C, p.Cys734Ser (NM_001406671.1, NM_001406673.1); c.2156G>C, p.Cys719Ser (NM_001406677.1); and 3 more; short protein forms C204S, C538S, C768S, C290S, C701S, C734S, C749S, C584S.
Identifiers: ClinVar variation 1787802 (VCV001787802.3), dbSNP rs2151319643, ClinGen allele CA394275143.